The following is an entry in ClinVar:

ClinVar aggregate classification (germline): Pathogenic (1 of 4 stars; one submission).

Submission:

Labcorp Genetics (formerly Invitae), Labcorp
Classification: Pathogenic. Last evaluated: 2021-04-08. Review status: criteria provided, single submitter. Criteria: Invitae Variant Classification Sherloc (09022015). Collection method: clinical testing. Allele origin: germline.
Comment: This sequence change creates a premature translational stop signal (p.Glu850*) in the MTHFD1 gene. It is expected to result in an absent or disrupted protein product. Loss-of-function variants in MTHFD1 are known to be pathogenic (PMID: 21813566, 25633902). This variant is not present in population databases (ExAC no frequency). This variant has not been reported in the literature in individuals with MTHFD1-related conditions. For these reasons, this variant has been classified as Pathogenic.

Literature cited by the submitters: PubMed 21813566; PubMed 25633902.

NM_005956.4(MTHFD1):c.2548G>T (p.Glu850Ter)

Genes: MTHFD1 (methylenetetrahydrofolate dehydrogenase, cyclohydrolase and formyltetrahydrofolate synthetase 1; plus strand), ZBTB25 (zinc finger and BTB domain containing 25; minus strand). Cytogenetic location: 14q23.3.
Variant type: single nucleotide variant.
Coding change: c.2548G>T on transcript NM_005956.4 (MANE Select); coding-DNA position 2548, G replaced by T.
Protein change: p.Glu850Ter; replaces glutamic acid 850 with a stop codon.
Molecular consequence: nonsense. On other transcripts: intron variant (1).
Genome position (GRCh38, 1-based): chr14:64,453,844, G>T. VCF-style: chr14-64453844-G-T. GRCh37 (hg19) VCF-style: chr14-64920562-G-T.
Other names: c.2548G>T, p.Glu850Ter (NM_001364837.1); c.174-4206C>A (NM_001304508.1); short protein forms E850*.
Identifiers: ClinVar variation 1359353 (VCV001359353.6), dbSNP rs2140987898, ClinGen allele CA390003380.
Genomic context (GRCh38, chr14:64,453,844, plus strand): 5'-GCACAGAAGATCTATGGAGCAGATGACATTGAATTACTTCCCGAAGCTCAACACAAAGCT[G>T]AAGTCTACACGAAGCAGGTAGATGTTTGGTTAGTTTGTCCTTTCAACTCTTTGCAAAGCA-3'